The following is an entry in ClinVar:

ClinVar aggregate classification (germline): Benign/Likely benign. Review status: criteria provided, multiple submitters, no conflicts (2 of 4 stars). 3 submissions from 3 submitters: Benign (2); Likely benign (1). Last evaluated 2025-12-19.

Conditions:
Cone-rod dystrophy 7 (CORD7). Identifiers: Orphanet 1872, MedGen C1863634, MONDO:0011355, OMIM 603649.

Allele frequency attached by ClinVar (database versions not stated): ExAC 0.00093; 1000 Genomes Project 30x 0.00109; 1000 Genomes Project 0.00120; gnomAD 0.00025 and 0.00033; gnomAD exomes 0.00034 and 0.00089; TOPMed 0.00057.
gnomAD v4.1: 547 of 1,613,956 alleles (0.034%); highest among the groups gnomAD compares: East Asian, 1.2%; 5 homozygotes.

Submissions (4):

Labcorp Genetics (formerly Invitae), Labcorp
Classification: Benign. Last evaluated: 2025-12-19. Review status: criteria provided, single submitter. Criteria: Invitae Variant Classification Sherloc (09022015). Collection method: clinical testing. Allele origin: germline.

Blueprint Genetics
Classification: Likely benign. Last evaluated: 2024-11-18. Review status: criteria provided, single submitter. Criteria: ACMG Guidelines, 2015. Collection method: clinical testing. Allele origin: germline.

Illumina Laboratory Services, Illumina
Classification: Benign for Cone-rod dystrophy 7. Last evaluated: 2018-01-13. Review status: criteria provided, single submitter. Criteria: ICSL Variant Classification Criteria 13 December 2019. Collection method: clinical testing. Allele origin: germline.
Comment: This variant was observed in the ICSL laboratory as part of a predisposition screen in an ostensibly healthy population. It had not been previously curated by ICSL or reported in the Human Gene Mutation Database (HGMD: prior to June 1st, 2018), and was therefore a candidate for classification through an automated scoring system. Utilizing variant allele frequency, disease prevalence and penetrance estimates, and inheritance mode, an automated score was calculated to assess if this variant is too frequent to cause the disease. Based on the score and internal cut-off values, a variant classified as benign is not then subjected to further curation. The score for this variant resulted in a classification of benign for this disease.

Dr. Peter K. Rogan Lab, Western University
No classification provided (evidence only). Condition: Gastric cancer. Review status: no classification provided. Collection method: in vitro. Allele origin: not applicable. Functional consequence: retained intron. Not counted in ClinVar's aggregate classification.

NM_014989.7(RIMS1):c.942G>A (p.Arg314=)

Gene: RIMS1 (regulating synaptic membrane exocytosis 1; plus strand). Cytogenetic location: 6q13.
Variant type: single nucleotide variant.
Coding change: c.942G>A on transcript NM_014989.7 (MANE Select); coding-DNA position 942, G replaced by A.
Protein change: p.Arg314=; no amino-acid change (arginine 314 retained).
Molecular consequence: synonymous variant.
Genome position (GRCh38, 1-based): chr6:72,182,413, G>A. VCF-style: chr6-72182413-G-A. GRCh37 (hg19) VCF-style: chr6-72892116-G-A.
Identifiers: ClinVar variation 357836 (VCV000357836.17), dbSNP rs185069362, ClinGen allele CA3885625.